The following is an entry in ClinVar:

ClinVar aggregate classification (germline): Pathogenic/Likely pathogenic. Review status: criteria provided, multiple submitters, no conflicts (2 of 4 stars). 2 submissions from 2 submitters: Pathogenic (1); Likely pathogenic (1). Last evaluated 2023-02-01.

Conditions:
IRF2BPL-related disorder. Also called: IRF2BPL-related condition. Identifiers: MedGen CN381093.

Submissions (2):

GeneDx
Classification: Pathogenic. Last evaluated: 2023-02-01. Review status: criteria provided, single submitter. Criteria: GeneDx Variant Classification Process June 2021. Collection method: clinical testing. Allele origin: germline. Affected: yes.
Comment: Nonsense variant predicted to result in protein truncation, as the last675 amino acids are lost, and other loss-of-function variants have been reported downstream in HGMD; Not observed at significant frequency in large population cohorts (gnomAD); This variant is associated with the following publications: (PMID: 35525099)

Blueprint Genetics
Classification: Likely pathogenic for IRF2BPL-related disorders. Last evaluated: 2019-04-01. Review status: criteria provided, single submitter. Criteria: ACMG Guidelines, 2015. Collection method: clinical testing. Allele origin: germline. Affected: yes. Observed: 1 variant allele.

NM_024496.4(IRF2BPL):c.364C>T (p.Gln122Ter)

Gene: IRF2BPL (interferon regulatory factor 2 binding protein like; minus strand). Cytogenetic location: 14q24.3.
Variant type: single nucleotide variant.
Coding change: c.364C>T on transcript NM_024496.4 (MANE Select); coding-DNA position 364, C replaced by T.
Protein change: p.Gln122Ter; replaces glutamine 122 with a stop codon.
Molecular consequence: nonsense.
Genome position (GRCh38, 1-based): chr14:77,027,429, G>A on the plus strand (C>T on the coding strand, the complement: IRF2BPL is on the minus strand). VCF-style: chr14-77027429-G-A. GRCh37 (hg19) VCF-style: chr14-77493772-G-A.
Other names: short protein forms Q122*.
Identifiers: ClinVar variation 2574800 (VCV002574800.2), dbSNP rs2503078573, ClinGen allele CA390499624.